The following is an entry in ClinVar:

ClinVar aggregate classification (germline): Uncertain significance (1 of 4 stars; one submission).

gnomAD v4.1: 9 of 1,608,956 alleles (0.00056%); highest among the groups gnomAD compares: Middle Eastern, 0.017%; no homozygotes.

Submission:

CeGaT Center for Human Genetics Tuebingen
Classification: Uncertain significance. Last evaluated: 2024-06-01. Review status: criteria provided, single submitter. Criteria: CeGaT Center For Human Genetics Tuebingen Variant Classification Criteria Version 2. Collection method: clinical testing. Allele origin: germline. Affected: yes. Observed: 1 variant allele.
Comment: ABCA2: PM2

NM_001606.5(ABCA2):c.547G>A (p.Ala183Thr)

Gene: ABCA2 (ATP binding cassette subfamily A member 2; minus strand). Cytogenetic location: 9q34.3.
Variant type: single nucleotide variant.
Coding change: c.547G>A on transcript NM_001606.5 (MANE Select); coding-DNA position 547, G replaced by A.
Protein change: p.Ala183Thr; replaces alanine 183 with threonine.
Molecular consequence: missense variant.
Genome position (GRCh38, 1-based): chr9:137,022,371, C>T on the plus strand (G>A on the coding strand, the complement: ABCA2 is on the minus strand). VCF-style: chr9-137022371-C-T. GRCh37 (hg19) VCF-style: chr9-139916823-C-T.
Other names: c.544G>A, p.Ala182Thr (NM_001411042.1); c.637G>A, p.Ala213Thr (NM_212533.3); short protein forms A182T, A183T, A213T.
Identifiers: ClinVar variation 3250970 (VCV003250970.18), dbSNP rs753980203.